The following is an entry in ClinVar:

ClinVar aggregate classification (germline): Uncertain significance (1 of 4 stars; one submission).

Conditions:
Hereditary insensitivity to pain with anhidrosis (CIPA). Also called: hereditary sensory and autonomic neuropathy type 4; HSAN Type IV; FAMILIAL DYSAUTONOMIA, TYPE II; NEUROPATHY, CONGENITAL SENSORY, WITH ANHIDROSIS; NTRK1 Congenital Insensitivity to Pain with Anhidrosis; INSENSITIVITY TO PAIN, CONGENITAL, WITH ANHIDROSIS. Identifiers: Orphanet 642, MedGen C0020074, MONDO:0009746, OMIM 256800.

Allele frequency attached by ClinVar (database versions not stated): gnomAD exomes below 0.00001; ExAC 0.00001; gnomAD 0.00001.
gnomAD v4.1: 3 of 1,613,296 alleles (0.00019%); highest among the groups gnomAD compares: African/African-American, 0.0013%; no homozygotes.

Submission:

Labcorp Genetics (formerly Invitae), Labcorp
Classification: Uncertain significance for Hereditary insensitivity to pain with anhidrosis. Last evaluated: 2022-06-15. Review status: criteria provided, single submitter. Criteria: Invitae Variant Classification Sherloc (09022015). Collection method: clinical testing. Allele origin: germline.
Comment: This sequence change replaces glutamic acid, which is acidic and polar, with lysine, which is basic and polar, at codon 691 of the NTRK1 protein (p.Glu691Lys). This variant is present in population databases (rs758876909, gnomAD 0.004%). This variant has not been reported in the literature in individuals affected with NTRK1-related conditions. Advanced modeling of protein sequence and biophysical properties (such as structural, functional, and spatial information, amino acid conservation, physicochemical variation, residue mobility, and thermodynamic stability) performed at Invitae indicates that this missense variant is expected to disrupt NTRK1 protein function. In summary, the available evidence is currently insufficient to determine the role of this variant in disease. Therefore, it has been classified as a Variant of Uncertain Significance.

NM_002529.4(NTRK1):c.2089G>A (p.Glu697Lys)

Gene: NTRK1 (neurotrophic receptor tyrosine kinase 1; plus strand). Cytogenetic location: 1q23.1.
Variant type: single nucleotide variant.
Coding change: c.2089G>A on transcript NM_002529.4 (MANE Select); coding-DNA position 2089, G replaced by A.
Protein change: p.Glu697Lys; replaces glutamic acid 697 with lysine.
Molecular consequence: missense variant.
Genome position (GRCh38, 1-based): chr1:156,880,041, G>A. VCF-style: chr1-156880041-G-A. GRCh37 (hg19) VCF-style: chr1-156849833-G-A.
Other names: c.2089G>A, p.Glu697Lys (NM_001007204.1); c.1981G>A, p.Glu661Lys (NM_001007792.1); c.2071G>A, p.Glu691Lys (NM_001012331.2); short protein forms E691K, E661K, E697K.
Identifiers: ClinVar variation 2187045 (VCV002187045.4), dbSNP rs758876909, ClinGen allele CA1169566.